The following is an entry in ClinVar:

NM_000548.5(TSC2):c.3541A>G (p.Thr1181Ala)

Gene: TSC2 (TSC complex subunit 2; plus strand). Cytogenetic location: 16p13.3.
Variant type: single nucleotide variant.
Coding change: c.3541A>G on transcript NM_000548.5 (MANE Select); coding-DNA position 3541, A replaced by G.
Protein change: p.Thr1181Ala; replaces threonine 1181 with alanine.
Molecular consequence: missense variant.
Genome position (GRCh38, 1-based): chr16:2,080,308, A>G. VCF-style: chr16-2080308-A-G. GRCh37 (hg19) VCF-style: chr16-2130309-A-G.
Other names: c.3409A>G, p.Thr1137Ala (NM_001077183.3, NM_001370404.1); c.3541A>G, p.Thr1181Ala (NM_001114382.3); c.3301A>G, p.Thr1101Ala (NM_001318827.2); c.3265A>G, p.Thr1089Ala (NM_001318829.2); c.2809A>G, p.Thr937Ala (NM_001318831.2); c.3442A>G, p.Thr1148Ala (NM_001318832.2); c.3412A>G, p.Thr1138Ala (NM_001363528.2, NM_001370405.1, NM_021055.3); c.3541A>G (NM_000548.3); short protein forms T1138A, T937A, T1101A, T1137A, T1089A, T1148A, T1181A.
Identifiers: ClinVar variation 1365110 (VCV001365110.9), dbSNP rs2151460498, ClinGen allele CA394289467.

ClinVar aggregate classification (germline): Uncertain significance. Review status: criteria provided, multiple submitters, no conflicts (2 of 4 stars). 2 submissions from 2 submitters: Uncertain significance (2). Last evaluated 2026-08-09.

Conditions:
Hereditary cancer-predisposing syndrome. Also called: Hereditary Cancer Syndrome; Neoplastic Syndromes, Hereditary; Hereditary neoplastic syndrome; Tumor predisposition. Identifiers: Orphanet 140162, MedGen C0027672, MeSH D009386, MONDO:0015356.
Tuberous sclerosis 2 (TSC2). Identifiers: Orphanet 805, MedGen C1860707, MONDO:0013199, OMIM 613254.

Submissions (2):

Ambry Genetics
Classification: Uncertain significance for Hereditary cancer-predisposing syndrome. Last evaluated: 2026-08-09. Review status: criteria provided, single submitter. Criteria: Ambry Variant Classification Scheme 2023. Collection method: clinical testing. Allele origin: germline.
Comment: The p.T1181A variant (also known as c.3541A>G), located in coding exon 29 of the TSC2 gene, results from an A to G substitution at nucleotide position 3541. The threonine at codon 1181 is replaced by alanine, an amino acid with similar properties. This amino acid position is conserved. In addition, this alteration is predicted to be tolerated by in silico analysis. Based on the available evidence, the clinical significance of this variant remains unclear.

Labcorp Genetics (formerly Invitae), Labcorp
Classification: Uncertain significance for Tuberous sclerosis 2. Last evaluated: 2021-07-01. Review status: criteria provided, single submitter. Criteria: Invitae Variant Classification Sherloc (09022015). Collection method: clinical testing. Allele origin: germline.
Comment: Advanced modeling of protein sequence and biophysical properties (such as structural, functional, and spatial information, amino acid conservation, physicochemical variation, residue mobility, and thermodynamic stability) performed at Invitae indicates that this missense variant is not expected to disrupt TSC2 protein function. In summary, the available evidence is currently insufficient to determine the role of this variant in disease. Therefore, it has been classified as a Variant of Uncertain Significance. This variant has not been reported in the literature in individuals affected with TSC2-related conditions. This variant is not present in population databases (ExAC no frequency). This sequence change replaces threonine with alanine at codon 1181 of the TSC2 protein (p.Thr1181Ala). The threonine residue is weakly conserved and there is a small physicochemical difference between threonine and alanine.